The following is an entry in ClinVar:

NM_004100.5(EYA4):c.1341-3C>G

Genes: EYA4 (EYA transcriptional coactivator and phosphatase 4; plus strand), TARID (TCF21 antisense RNA inducing promoter demethylation; minus strand). Cytogenetic location: 6q23.2.
Variant type: single nucleotide variant.
Coding change: c.1341-3C>G on transcript NM_004100.5 (MANE Select); 3 bases into the intron before coding-DNA position 1341, C replaced by G.
Molecular consequence: intron variant.
Genome position (GRCh38, 1-based): chr6:133,512,875, C>G. VCF-style: chr6-133512875-C-G. GRCh37 (hg19) VCF-style: chr6-133834013-C-G.
Other names: c.1359-3C>G (NM_001301013.2); c.1341-3C>G (NM_172105.4); c.1272-3C>G (NM_001370458.1, NM_172103.4); c.1197-3C>G (NM_001370459.1); c.1179-3C>G (NM_001301012.2).
Identifiers: ClinVar variation 4020617 (VCV004020617.1).

ClinVar aggregate classification (germline): Uncertain significance (1 of 4 stars; one submission).

Conditions:
Cardiovascular phenotype. Identifiers: MedGen CN230736.

Submission:

Ambry Genetics
Classification: Uncertain significance for Cardiovascular phenotype. Last evaluated: 2025-06-05. Review status: criteria provided, single submitter. Criteria: Ambry Variant Classification Scheme 2023. Collection method: clinical testing. Allele origin: germline.
Comment: The c.1341-3C>G intronic variant results from a C to G substitution 3 nucleotides upstream from coding exon 15 in the EYA4 gene. This nucleotide position is highly conserved in available vertebrate species. In silico splice site analysis predicts that this alteration will weaken the native splice acceptor site. Based on the available evidence, the clinical significance of this variant remains unclear.